The following is an entry in ClinVar:

NM_002900.3(RBP3):c.1936C>A (p.Leu646Met)

Gene: RBP3 (retinol binding protein 3; plus strand). Cytogenetic location: 10q11.22.
Variant type: single nucleotide variant.
Coding change: c.1936C>A on transcript NM_002900.3 (MANE Select); coding-DNA position 1936, C replaced by A.
Protein change: p.Leu646Met; replaces leucine 646 with methionine.
Molecular consequence: missense variant.
Genome position (GRCh38, 1-based): chr10:47,350,420, C>A. VCF-style: chr10-47350420-C-A. GRCh37 (hg19) VCF-style: chr10-48388942-G-T.
Other names: short protein forms L646M.
Identifiers: ClinVar variation 1466467 (VCV001466467.8), dbSNP rs781921253, ClinGen allele CA5487394.
Genomic context (GRCh38, chr10:47,350,420, plus strand): 5'-GCCCAGGAAGTGCTGGAGTTCCACCAAAGCCTGGGGGCCTTGGTGGAGGGCACAGGGCAC[C>A]TGCTGGAGGCCCACTATGCTCGGCCAGAGGTCGTGGGGCAGACCAGTGCCCTCCTGCGGG-3'
Protein context (NP_002891.1, residues 636-656): LGALVEGTGH[Leu646Met]LEAHYARPEV

ClinVar aggregate classification (germline): Uncertain significance (1 of 4 stars; one submission).

Allele frequency attached by ClinVar (database versions not stated): gnomAD exomes below 0.00001; ExAC 0.00001.
gnomAD v4.1: 2 of 1,612,222 alleles (0.00012%); highest among the groups gnomAD compares: African/African-American, 0.0013%; no homozygotes.

Submission:

Labcorp Genetics (formerly Invitae), Labcorp
Classification: Uncertain significance. Last evaluated: 2022-07-06. Review status: criteria provided, single submitter. Criteria: Invitae Variant Classification Sherloc (09022015). Collection method: clinical testing. Allele origin: germline.
Comment: This sequence change replaces leucine, which is neutral and non-polar, with methionine, which is neutral and non-polar, at codon 646 of the RBP3 protein (p.Leu646Met). The frequency data for this variant in the population databases is considered unreliable, as metrics indicate poor data quality at this position in the gnomAD database. This variant has not been reported in the literature in individuals affected with RBP3-related conditions. ClinVar contains an entry for this variant (Variation ID: 1466467). Algorithms developed to predict the effect of missense changes on protein structure and function are either unavailable or do not agree on the potential impact of this missense change (SIFT: "Deleterious"; PolyPhen-2: "Possibly Damaging"; Align-GVGD: "Class C0"). In summary, the available evidence is currently insufficient to determine the role of this variant in disease. Therefore, it has been classified as a Variant of Uncertain Significance.